The following is an entry in ClinVar:

ClinVar aggregate classification (germline): Likely benign (0 of 4 stars; one submission).

Conditions:
SPTBN5-related disorder. Also called: SPTBN5-related condition.

Allele frequency attached by ClinVar (database versions not stated): gnomAD exomes 0.00019; ExAC 0.00110; 1000 Genomes Project 30x 0.00141; 1000 Genomes Project 0.00180; gnomAD 0.00197; TOPMed 0.00211; ESP Exome Variant Server 0.00230.
gnomAD v4.1: 577 of 1,588,836 alleles (0.036%); highest among the groups gnomAD compares: African/African-American, 0.59%; 1 homozygote.

Submission:

PreventionGenetics, part of Exact Sciences
Classification: Likely benign for SPTBN5-related condition. Last evaluated: 2022-12-27. Review status: no assertion criteria provided. Collection method: clinical testing. Allele origin: germline.
Comment: This variant is classified as likely benign based on ACMG/AMP sequence variant interpretation guidelines (Richards et al. 2015 PMID: 25741868, with internal and published modifications).

NM_016642.4(SPTBN5):c.7219G>A (p.Glu2407Lys)

Gene: SPTBN5 (spectrin beta, non-erythrocytic 5; minus strand). Cytogenetic location: 15q15.1.
Variant type: single nucleotide variant.
Coding change: c.7219G>A on transcript NM_016642.4 (MANE Select); coding-DNA position 7219, G replaced by A.
Protein change: p.Glu2407Lys; replaces glutamic acid 2407 with lysine.
Molecular consequence: missense variant.
Genome position (GRCh38, 1-based): chr15:41,862,834, C>T on the plus strand (G>A on the coding strand, the complement: SPTBN5 is on the minus strand). VCF-style: chr15-41862834-C-T. GRCh37 (hg19) VCF-style: chr15-42155032-C-T.
Other names: short protein forms E2407K.
Identifiers: ClinVar variation 3049543 (VCV003049543.2), dbSNP rs201594061, ClinGen allele CA7502321.